The following is an entry in ClinVar:

NM_145200.5(CABP4):c.214A>C (p.Asn72His)

Gene: CABP4 (calcium binding protein 4; plus strand). Cytogenetic location: 11q13.2.
Variant type: single nucleotide variant.
Coding change: c.214A>C on transcript NM_145200.5 (MANE Select); coding-DNA position 214, A replaced by C.
Protein change: p.Asn72His; replaces asparagine 72 with histidine.
Molecular consequence: missense variant. On other transcripts: 5 prime UTR variant (2), non-coding transcript variant (1), intron variant (1).
Genome position (GRCh38, 1-based): chr11:67,455,637, A>C. VCF-style: chr11-67455637-A-C. GRCh37 (hg19) VCF-style: chr11-67223108-A-C.
Other names: c.-170A>C (NM_001300895.3); c.-184A>C (NM_001379183.1); c.-112-72A>C (NM_001300896.3); short protein forms N72H.
Identifiers: ClinVar variation 854494 (VCV000854494.14), dbSNP rs143788427, ClinGen allele CA6140092.

ClinVar aggregate classification (germline): Conflicting classifications of pathogenicity. Review status: criteria provided, conflicting classifications (1 of 4 stars). 3 submissions from 3 submitters: Uncertain significance (2); Likely benign (1). Last evaluated 2026-02-11.

Conditions:
CABP4-related disorder. Also called: CABP4-related condition.
Cone-rod synaptic disorder, congenital nonprogressive. Also called: NIGHT BLINDNESS, CONGENITAL STATIONARY, INCOMPLETE, AUTOSOMAL RECESSIVE. Identifiers: Orphanet 215, MedGen C4041558, MONDO:0012490, OMIM 610427.

Allele frequency attached by ClinVar (database versions not stated): ESP Exome Variant Server 0.00015; 1000 Genomes Project 30x 0.00016; gnomAD exomes 0.00017 and 0.00037; ExAC 0.00019; 1000 Genomes Project 0.00020; gnomAD 0.00021 and 0.00024; TOPMed 0.00024.
gnomAD v4.1: 574 of 1,610,000 alleles (0.036%); highest among the groups gnomAD compares: Non-Finnish European, 0.045%; no homozygotes.

Submissions (3):

PreventionGenetics, part of Exact Sciences
Classification: Uncertain significance for CABP4-related condition. Last evaluated: 2026-02-11. Review status: criteria provided, single submitter. Criteria: ACMG Guidelines, 2015. Collection method: clinical testing. Allele origin: germline.
Comment: The CABP4 c.214A>C variant is predicted to result in the amino acid substitution p.Asn72His. To our knowledge, this variant has not been reported in the literature. This variant is reported in 0.033% of alleles in individuals of European (Non-Finnish) descent in gnomAD. At this time, the clinical significance of this variant is uncertain due to the absence of conclusive functional and genetic evidence.

Labcorp Genetics (formerly Invitae), Labcorp
Classification: Likely benign. Last evaluated: 2025-11-11. Review status: criteria provided, single submitter. Criteria: Invitae Variant Classification Sherloc (09022015). Collection method: clinical testing. Allele origin: germline.

Illumina Laboratory Services, Illumina
Classification: Uncertain significance for Cone-rod synaptic disorder, congenital nonprogressive. Last evaluated: 2017-04-28. Review status: criteria provided, single submitter. Criteria: ICSL Variant Classification Criteria 13 December 2019. Collection method: clinical testing. Allele origin: germline.
Comment: This variant was observed as part of a predisposition screen in an ostensibly healthy population. A literature search was performed for the gene, cDNA change, and amino acid change (where applicable). Publications were found based on this search. However, the evidence from the literature, in combination with allele frequency data from public databases where available, was not sufficient to rule this variant in or out of causing disease. Therefore, this variant is classified as a variant of unknown significance.

Literature cited by the submitters: PubMed 26234941 (cited by Illumina Laboratory Services, Illumina).